The following is an entry in ClinVar:

NM_001127208.3(TET2):c.1933G>A (p.Gly645Ser)

Genes: TET2 (tet methylcytosine dioxygenase 2; plus strand), TET2-AS1 (TET2 antisense RNA 1; minus strand). Cytogenetic location: 4q24.
Variant type: single nucleotide variant.
Coding change: c.1933G>A on transcript NM_001127208.3 (MANE Select); coding-DNA position 1933, G replaced by A.
Protein change: p.Gly645Ser; replaces glycine 645 with serine.
Molecular consequence: missense variant.
Genome position (GRCh38, 1-based): chr4:105,235,875, G>A. VCF-style: chr4-105235875-G-A. GRCh37 (hg19) VCF-style: chr4-106157032-G-A.
Other names: c.1933G>A, p.Gly645Ser (NM_017628.4); short protein forms G645S.
Identifiers: ClinVar variation 4594234 (VCV004594234.1).

ClinVar aggregate classification (germline): Uncertain significance (1 of 4 stars; one submission).

Submission:

Ambry Genetics
Classification: Uncertain significance. Last evaluated: 2025-12-06. Review status: criteria provided, single submitter. Criteria: Ambry Variant Classification Scheme 2023. Collection method: clinical testing. Allele origin: germline.
Comment: The p.G645S variant (also known as c.1933G>A), located in coding exon 1 of the TET2 gene, results from a G to A substitution at nucleotide position 1933. The glycine at codon 645 is replaced by serine, an amino acid with similar properties. This amino acid position is conserved. In addition, this alteration is predicted to be tolerated by in silico analysis. Based on the available evidence, the clinical significance of this variant remains unclear.